The following is an entry in ClinVar:

NM_176824.3(BBS7):c.748G>T (p.Val250Leu)

Gene: BBS7 (Bardet-Biedl syndrome 7; minus strand). Cytogenetic location: 4q27.
Variant type: single nucleotide variant.
Coding change: c.748G>T on transcript NM_176824.3 (MANE Select); coding-DNA position 748, G replaced by T.
Protein change: p.Val250Leu; replaces valine 250 with leucine.
Molecular consequence: missense variant.
Genome position (GRCh38, 1-based): chr4:121,853,057, C>A on the plus strand (G>T on the coding strand, the complement: BBS7 is on the minus strand). VCF-style: chr4-121853057-C-A. GRCh37 (hg19) VCF-style: chr4-122774212-C-A.
Other names: c.748G>T, p.Val250Leu (NM_018190.4); short protein forms V250L.
Identifiers: ClinVar variation 939788 (VCV000939788.6), dbSNP rs759886973, ClinGen allele CA358064606.

ClinVar aggregate classification (germline): Uncertain significance (1 of 4 stars; one submission).

Conditions:
Bardet-Biedl syndrome (BBS). Identifiers: Orphanet 110, MedGen C0752166, MONDO:0015229.

gnomAD v4.1: 1 of 1,613,610 alleles (0.000062%); highest among the groups gnomAD compares: Non-Finnish European, 0.000085%; no homozygotes.

Submission:

Labcorp Genetics (formerly Invitae), Labcorp
Classification: Uncertain significance for Bardet-Biedl syndrome. Last evaluated: 2025-02-03. Review status: criteria provided, single submitter. Criteria: Invitae Variant Classification Sherloc (09022015). Collection method: clinical testing. Allele origin: germline.
Comment: This sequence change replaces valine, which is neutral and non-polar, with leucine, which is neutral and non-polar, at codon 250 of the BBS7 protein (p.Val250Leu). This variant is not present in population databases (gnomAD no frequency). This variant has not been reported in the literature in individuals affected with BBS7-related conditions. ClinVar contains an entry for this variant (Variation ID: 939788). Invitae Evidence Modeling of protein sequence and biophysical properties (such as structural, functional, and spatial information, amino acid conservation, physicochemical variation, residue mobility, and thermodynamic stability) indicates that this missense variant is not expected to disrupt BBS7 protein function with a negative predictive value of 80%. In summary, the available evidence is currently insufficient to determine the role of this variant in disease. Therefore, it has been classified as a Variant of Uncertain Significance.